The following is an entry in ClinVar:

NM_001367721.1(CASK):c.2236+5G>T

Gene: CASK (calcium/calmodulin dependent serine protein kinase; minus strand). Cytogenetic location: Xp11.4.
Variant type: single nucleotide variant.
Coding change: c.2236+5G>T on transcript NM_001367721.1 (MANE Select); 5 bases into the intron after coding-DNA position 2236, G replaced by T.
Molecular consequence: intron variant.
Genome position (GRCh38, 1-based): chrX:41,534,888, C>A on the plus strand (G>T on the coding strand, the complement: CASK is on the minus strand). VCF-style: chrX-41534888-C-A. GRCh37 (hg19) VCF-style: chrX-41394141-C-A.
Other names: c.2149+5G>T (NM_001126055.3); c.2218+5G>T (NM_001410745.1); c.2152+5G>T (NM_001126054.3); c.2221+5G>T (NM_003688.4).
Identifiers: ClinVar variation 3664334 (VCV003664334.2).

ClinVar aggregate classification (germline): Uncertain significance (1 of 4 stars; one submission).

Conditions:
Intellectual disability, CASK-related, X-linked. Identifiers: MedGen CN043158.

Submission:

Labcorp Genetics (formerly Invitae), Labcorp
Classification: Uncertain significance for Intellectual disability, CASK-related, X-linked. Last evaluated: 2024-09-03. Review status: criteria provided, single submitter. Criteria: Invitae Variant Classification Sherloc (09022015). Collection method: clinical testing. Allele origin: germline.
Comment: This sequence change falls in intron 23 of the CASK gene. It does not directly change the encoded amino acid sequence of the CASK protein. It affects a nucleotide within the consensus splice site. This variant is not present in population databases (gnomAD no frequency). This variant has not been reported in the literature in individuals affected with CASK-related conditions. Variants that disrupt the consensus splice site are a relatively common cause of aberrant splicing (PMID: 17576681, 9536098). Algorithms developed to predict the effect of sequence changes on RNA splicing suggest that this variant may disrupt the consensus splice site. In summary, the available evidence is currently insufficient to determine the role of this variant in disease. Therefore, it has been classified as a Variant of Uncertain Significance.

Literature cited by the submitters: PubMed 17576681; PubMed 9536098.